The following is an entry in ClinVar:

ClinVar aggregate classification (germline): Uncertain significance (1 of 4 stars; one submission).

Conditions:
Hereditary pancreatitis (PCTT). Also called: Hereditary chronic pancreatitis; PRSS1-Related Hereditary Pancreatitis. Identifiers: Orphanet 676, MedGen C0238339, MONDO:0008185, OMIM 167800.

Submission:

Ambry Genetics
Classification: Uncertain significance for Hereditary pancreatitis. Last evaluated: 2024-09-30. Review status: criteria provided, single submitter. Criteria: Ambry Variant Classification Scheme 2023. Collection method: clinical testing. Allele origin: germline.
Comment: The p.N281T variant (also known as c.842A>C), located in coding exon 8 of the CPA1 gene, results from an A to C substitution at nucleotide position 842. The asparagine at codon 281 is replaced by threonine, an amino acid with similar properties. This amino acid position is conserved. In addition, this alteration is predicted to be tolerated by in silico analysis. Based on the available evidence, the clinical significance of this variant remains unclear.

NM_001868.4(CPA1):c.842A>C (p.Asn281Thr)

Gene: CPA1 (carboxypeptidase A1; plus strand). Cytogenetic location: 7q32.2.
Variant type: single nucleotide variant.
Coding change: c.842A>C on transcript NM_001868.4 (MANE Select); coding-DNA position 842, A replaced by C.
Protein change: p.Asn281Thr; replaces asparagine 281 with threonine.
Molecular consequence: missense variant.
Genome position (GRCh38, 1-based): chr7:130,385,200, A>C. VCF-style: chr7-130385200-A-C. GRCh37 (hg19) VCF-style: chr7-130025041-A-C.
Other names: short protein forms N281T.
Identifiers: ClinVar variation 3496207 (VCV003496207.1).